The following is an entry in ClinVar:

NM_080424.4(SP110):c.1591C>T (p.Arg531Trp)

Gene: SP110 (SP110 nuclear body protein; minus strand). Cytogenetic location: 2q37.1.
Variant type: single nucleotide variant.
Coding change: c.1591C>T on transcript NM_080424.4 (MANE Select); coding-DNA position 1591, C replaced by T.
Protein change: p.Arg531Trp; replaces arginine 531 with tryptophan.
Molecular consequence: missense variant.
Genome position (GRCh38, 1-based): chr2:230,172,959, G>A on the plus strand (C>T on the coding strand, the complement: SP110 is on the minus strand). VCF-style: chr2-230172959-G-A. GRCh37 (hg19) VCF-style: chr2-231037675-G-A.
Other names: c.1609C>T, p.Arg537Trp (NM_001378442.1, NM_001378444.1, NM_001378445.1 and 1 more transcripts); c.1591C>T, p.Arg531Trp (NM_001378443.1, NM_004509.5); short protein forms R531W, R537W.
Identifiers: ClinVar variation 534648 (VCV000534648.23), dbSNP rs200099412, ClinGen allele CA2154410.

ClinVar aggregate classification (germline): Conflicting classifications of pathogenicity. Review status: criteria provided, conflicting classifications (1 of 4 stars). 5 submissions from 5 submitters: Uncertain significance (4); Likely benign (1). Last evaluated 2025-02-01.

Conditions:
Hepatic veno-occlusive disease-immunodeficiency syndrome. Also called: Hepatic Veno-Occlusive Disease with Immunodeficiency. Identifiers: Orphanet 79124, MedGen C1856128, MONDO:0009338, OMIM 235550. Disease mechanism: loss of function.
Inborn genetic diseases. Identifiers: MedGen C0950123, MeSH D030342.

Allele frequency attached by ClinVar (database versions not stated): gnomAD exomes 0.00010 and 0.00014; ExAC 0.00011; TOPMed 0.00011; gnomAD 0.00013; ESP Exome Variant Server 0.00008.
gnomAD v4.1: 230 of 1,607,160 alleles (0.014%); highest among the groups gnomAD compares: South Asian, 0.025%; no homozygotes.

Submissions (5):

CeGaT Center for Human Genetics Tuebingen
Classification: Uncertain significance. Last evaluated: 2025-02-01. Review status: criteria provided, single submitter. Criteria: CeGaT Center For Human Genetics Tuebingen Variant Classification Criteria Version 2. Collection method: clinical testing. Allele origin: germline. Affected: yes. Observed: 1 variant allele.
Comment: SP110: PM2, BP4

Labcorp Genetics (formerly Invitae), Labcorp
Classification: Uncertain significance for Hepatic veno-occlusive disease-immunodeficiency syndrome. Last evaluated: 2023-12-06. Review status: criteria provided, single submitter. Criteria: Invitae Variant Classification Sherloc (09022015). Collection method: clinical testing. Allele origin: germline.
Comment: This sequence change replaces arginine, which is basic and polar, with tryptophan, which is neutral and slightly polar, at codon 531 of the SP110 protein (p.Arg531Trp). This variant is present in population databases (rs200099412, gnomAD 0.03%). This variant has not been reported in the literature in individuals affected with SP110-related conditions. ClinVar contains an entry for this variant (Variation ID: 534648). Algorithms developed to predict the effect of missense changes on protein structure and function output the following: SIFT: "Not Available"; PolyPhen-2: "Benign"; Align-GVGD: "Not Available". The tryptophan amino acid residue is found in multiple mammalian species, which suggests that this missense change does not adversely affect protein function. In summary, the available evidence is currently insufficient to determine the role of this variant in disease. Therefore, it has been classified as a Variant of Uncertain Significance.

Ambry Genetics
Classification: Likely benign for Inborn genetic diseases. Last evaluated: 2023-07-25. Review status: criteria provided, single submitter. Criteria: Ambry Variant Classification Scheme 2023. Collection method: clinical testing. Allele origin: germline.

Department of Pathology and Laboratory Medicine, Sinai Health System
Classification: Uncertain significance for Hepatic veno-occlusive disease-immunodeficiency syndrome. Last evaluated: 2021-10-21. Review status: criteria provided, single submitter. Criteria: ACMG Guidelines, 2015. Collection method: research. Allele origin: germline.

Breakthrough Genomics
Classification: Uncertain significance. Review status: criteria provided, single submitter. Criteria: ACMG Guidelines, 2015. Collection method: not provided. Allele origin: germline. Inheritance: Autosomal recessive inheritance. Affected: yes.